The following is an entry in ClinVar:

NM_001256545.2(MEGF10):c.475C>T (p.Leu159=)

Gene: MEGF10 (multiple EGF like domains 10; plus strand). Cytogenetic location: 5q23.2.
Variant type: single nucleotide variant.
Coding change: c.475C>T on transcript NM_001256545.2 (MANE Select); coding-DNA position 475, C replaced by T.
Protein change: p.Leu159=; no amino-acid change (leucine 159 retained).
Molecular consequence: synonymous variant.
Genome position (GRCh38, 1-based): chr5:127,396,594, C>T. VCF-style: chr5-127396594-C-T. GRCh37 (hg19) VCF-style: chr5-126732286-C-T.
Other names: c.475C>T (NM_032446.2); c.475C>T, p.Leu159= (NM_001308119.2, NM_001308121.2, NM_032446.3).
Identifiers: ClinVar variation 3002984 (VCV003002984.5), dbSNP rs1307226774, ClinGen allele CA446490970.
Genomic context (GRCh38, chr5:127,396,594, plus strand): 5'-TGCGATGGTGATCACTGGGGTCCCCACTGCACCAGCCGGTGCCAGTGCAAAAATGGGGCT[C>T]TGTGCAACCCCATCACCGGGGCTTGCCACTGTGCTGCGGGCTTCCGGGGCTGGCGCTGCG-3'
Protein context (NP_001243474.1, residues 149-169): TSRCQCKNGA[Leu159=]CNPITGACHC

ClinVar aggregate classification (germline): Likely benign. Review status: criteria provided, single submitter (1 of 4 stars). 2 submissions from 2 submitters: Likely benign (1). 1 of the submissions does not count toward it. Last evaluated 2023-12-09.

Conditions:
MEGF10-related disorder. Also called: MEGF10-related condition.
MEGF10-related myopathy (CMYO10A). Also called: Congenital myopathy 10A, severe variant. Identifiers: Orphanet 439212, MedGen C3280679, MONDO:0013731, OMIM 614399.

Allele frequency attached by ClinVar (database versions not stated): TOPMed below 0.00001; gnomAD 0.00002.
gnomAD v4.1: 4 of 1,606,460 alleles (0.00025%); highest among the groups gnomAD compares: African/African-American, 0.004%; no homozygotes.

Submissions (2):

Labcorp Genetics (formerly Invitae), Labcorp
Classification: Likely benign for MEGF10-related myopathy. Last evaluated: 2023-12-09. Review status: criteria provided, single submitter. Criteria: Invitae Variant Classification Sherloc (09022015). Collection method: clinical testing. Allele origin: germline.

PreventionGenetics, part of Exact Sciences
Classification: Likely benign for MEGF10-related condition. Last evaluated: 2019-06-07. Review status: no assertion criteria provided. Collection method: clinical testing. Allele origin: germline. Not counted in ClinVar's aggregate classification.
Comment: This variant is classified as likely benign based on ACMG/AMP sequence variant interpretation guidelines (Richards et al. 2015 PMID: 25741868, with internal and published modifications).